The following is an entry in ClinVar:

NM_001100588.3(RC3H2):c.1623T>G (p.Ser541=)

Gene: RC3H2 (ring finger and CCCH-type domains 2; minus strand). Cytogenetic location: 9q33.2.
Variant type: single nucleotide variant.
Coding change: c.1623T>G on transcript NM_001100588.3 (MANE Select); coding-DNA position 1623, T replaced by G.
Protein change: p.Ser541=; no amino-acid change (serine 541 retained).
Molecular consequence: synonymous variant.
Genome position (GRCh38, 1-based): chr9:122,865,360, A>C on the plus strand (T>G on the coding strand, the complement: RC3H2 is on the minus strand). VCF-style: chr9-122865360-A-C. GRCh37 (hg19) VCF-style: chr9-125627639-A-C.
Other names: NC_000009.11:g.125627639A>C; c.1623T>G, p.Ser541= (NM_001354478.2, NM_001354479.2, NM_001354482.2 and 1 more transcripts).
Identifiers: ClinVar variation 2659487 (VCV002659487.25), dbSNP rs117294809, ClinGen allele CA5229168.

ClinVar aggregate classification (germline): Likely benign (1 of 4 stars; one submission).

Allele frequency attached by ClinVar (database versions not stated): 1000 Genomes Project 0.00319; 1000 Genomes Project 30x 0.00344; TOPMed 0.00471; gnomAD 0.00645; ESP Exome Variant Server 0.00702; ExAC 0.00797; gnomAD exomes 0.00831.

Submissions (15):

CeGaT Center for Human Genetics Tuebingen
Classification: Likely benign. Last evaluated: 2023-01-01. Review status: criteria provided, single submitter. Criteria: CeGaT Center For Human Genetics Tuebingen Variant Classification Criteria Version 2. Collection method: clinical testing. Allele origin: germline. Affected: yes. Observed: 1 variant allele.
Comment: RC3H2: BS2

Dr. Peter K. Rogan Lab, Western University
No classification provided (evidence only). Condition: Clear cell carcinoma of kidney. Review status: no classification provided. Collection method: in vitro. Allele origin: not applicable. Functional consequence: skipped exon. Not counted in ClinVar's aggregate classification.

Dr. Peter K. Rogan Lab, Western University
No classification provided (evidence only). Condition: Clear cell carcinoma of kidney. Review status: no classification provided. Collection method: in vitro. Allele origin: not applicable. Functional consequence: retained intron. Not counted in ClinVar's aggregate classification.

Dr. Peter K. Rogan Lab, Western University
No classification provided (evidence only). Condition: Lung cancer. Review status: no classification provided. Collection method: in vitro. Allele origin: not applicable. Functional consequence: retained intron. Not counted in ClinVar's aggregate classification.

Dr. Peter K. Rogan Lab, Western University
No classification provided (evidence only). Condition: Lung cancer. Review status: no classification provided. Collection method: in vitro. Allele origin: not applicable. Functional consequence: retained intron. Not counted in ClinVar's aggregate classification.

Dr. Peter K. Rogan Lab, Western University
No classification provided (evidence only). Condition: Acute myeloid leukemia. Review status: no classification provided. Collection method: in vitro. Allele origin: not applicable. Functional consequence: retained intron. Not counted in ClinVar's aggregate classification.

Dr. Peter K. Rogan Lab, Western University
No classification provided (evidence only). Condition: Acute myeloid leukemia. Review status: no classification provided. Collection method: in vitro. Allele origin: not applicable. Functional consequence: skipped exon, retained intron. Not counted in ClinVar's aggregate classification.

Dr. Peter K. Rogan Lab, Western University
No classification provided (evidence only). Condition: Colon adenocarcinoma. Review status: no classification provided. Collection method: in vitro. Allele origin: not applicable. Functional consequence: skipped exon. Not counted in ClinVar's aggregate classification.

Dr. Peter K. Rogan Lab, Western University
No classification provided (evidence only). Condition: Colon adenocarcinoma. Review status: no classification provided. Collection method: in vitro. Allele origin: not applicable. Functional consequence: skipped exon. Not counted in ClinVar's aggregate classification.

Dr. Peter K. Rogan Lab, Western University
No classification provided (evidence only). Condition: Colorectal cancer. Review status: no classification provided. Collection method: in vitro. Allele origin: not applicable. Functional consequence: retained intron. Not counted in ClinVar's aggregate classification.

Dr. Peter K. Rogan Lab, Western University
No classification provided (evidence only). Condition: Thyroid cancer, nonmedullary, 1. Review status: no classification provided. Collection method: in vitro. Allele origin: not applicable. Functional consequence: retained intron. Not counted in ClinVar's aggregate classification.

Dr. Peter K. Rogan Lab, Western University
No classification provided (evidence only). Condition: Ovarian serous cystadenocarcinoma. Review status: no classification provided. Collection method: in vitro. Allele origin: not applicable. Functional consequence: retained intron. Not counted in ClinVar's aggregate classification.

Dr. Peter K. Rogan Lab, Western University
No classification provided (evidence only). Condition: Ovarian serous cystadenocarcinoma. Review status: no classification provided. Collection method: in vitro. Allele origin: not applicable. Functional consequence: retained intron. Not counted in ClinVar's aggregate classification.

Dr. Peter K. Rogan Lab, Western University
No classification provided (evidence only). Condition: Malignant tumor of esophagus. Review status: no classification provided. Collection method: in vitro. Allele origin: not applicable. Functional consequence: retained intron. Not counted in ClinVar's aggregate classification.

Dr. Peter K. Rogan Lab, Western University
No classification provided (evidence only). Condition: Malignant tumor of esophagus. Review status: no classification provided. Collection method: in vitro. Allele origin: not applicable. Functional consequence: retained intron. Not counted in ClinVar's aggregate classification.